The following is an entry in ClinVar:

ClinVar aggregate classification (germline): Uncertain significance (1 of 4 stars; one submission).

Submission:

GeneDx
Classification: Uncertain significance. Last evaluated: 2023-12-07. Review status: criteria provided, single submitter. Criteria: GeneDx Variant Classification Process June 2021. Collection method: clinical testing. Allele origin: germline. Affected: yes.
Comment: Not observed at significant frequency in large population cohorts (gnomAD); In silico analysis supports that this missense variant has a deleterious effect on protein structure/function; Has not been previously published as pathogenic or benign to our knowledge

NM_001378454.1(ALMS1):c.458A>G (p.Glu153Gly)

Gene: ALMS1 (ALMS1 centrosome and basal body associated protein; plus strand). Cytogenetic location: 2p13.1.
Variant type: single nucleotide variant.
Coding change: c.458A>G on transcript NM_001378454.1 (MANE Select); coding-DNA position 458, A replaced by G.
Protein change: p.Glu153Gly; replaces glutamic acid 153 with glycine.
Molecular consequence: missense variant.
Genome position (GRCh38, 1-based): chr2:73,419,130, A>G. VCF-style: chr2-73419130-A-G. GRCh37 (hg19) VCF-style: chr2-73646258-A-G.
Other names: c.461A>G, p.Glu154Gly (NM_015120.4); short protein forms E153G, E154G.
Identifiers: ClinVar variation 3364854 (VCV003364854.1).
Genomic context (GRCh38, chr2:73,419,130, plus strand): 5'-TGTATGGTAACTCAGTTAATGACTTAGCATGTTTTCCTTTAACATTTTTCTAGAAAACAG[A>G]ATCTTGGCATTGTCTTCCTCAAGAAATGGACTCTTCCCAAACCTTGGATACATCCCAGAC-3'
Protein context (NP_001365383.1, residues 143-163): QRGSGDDQKT[Glu153Gly]SWHCLPQEMD